The following is an entry in ClinVar:

ClinVar aggregate classification (germline): Uncertain significance (1 of 4 stars; one submission).

Conditions:
Telangiectasia, hereditary hemorrhagic, type 2 (HHT2). Also called: ACVRL1-Related Hereditary Hemorrhagic Telangiectasia; Telangiectasia, hereditary hemorrhagic, type II. Identifiers: Orphanet 774, MedGen C1838163, MONDO:0010880, OMIM 600376. Disease mechanism: loss of function.

Submission:

Laboratorio de Genetica e Diagnostico Molecular, Hospital Israelita Albert Einstein
Classification: Uncertain significance for Telangiectasia, hereditary hemorrhagic, type 2. Last evaluated: 2026-03-13. Review status: criteria provided, single submitter. Criteria: ACMG Guidelines, 2015. Collection method: clinical testing. Allele origin: germline. Affected: yes.
Comment: ACMG classification criteria: PM2 supporting, PP2 supporting, PP3 supporting

NM_000020.3(ACVRL1):c.647T>C (p.Val216Ala)

Gene: ACVRL1 (activin A receptor like type 1; plus strand). Cytogenetic location: 12q13.13.
Variant type: single nucleotide variant.
Coding change: c.647T>C on transcript NM_000020.3 (MANE Select); coding-DNA position 647, T replaced by C.
Protein change: p.Val216Ala; replaces valine 216 with alanine.
Molecular consequence: missense variant.
Genome position (GRCh38, 1-based): chr12:51,914,460, T>C. VCF-style: chr12-51914460-T-C. GRCh37 (hg19) VCF-style: chr12-52308244-T-C.
Other names: c.647T>C, p.Val216Ala (NM_001077401.2, NM_001406487.1, NM_001406488.1 and 1 more transcripts); c.335T>C, p.Val112Ala (NM_001406490.1, NM_001406491.1, NM_001406492.1 and 2 more transcripts); c.83T>C, p.Val28Ala (NM_001406495.1); short protein forms V112A, V216A, V28A.
Identifiers: ClinVar variation 4846984 (VCV004846984.1).